The following is an entry in ClinVar:

NM_001384732.1(CPLANE1):c.3071A>G (p.Lys1024Arg)

Gene: CPLANE1 (ciliogenesis and planar polarity effector complex subunit 1; minus strand). Cytogenetic location: 5p13.2.
Variant type: single nucleotide variant.
Coding change: c.3071A>G on transcript NM_001384732.1 (MANE Select); coding-DNA position 3071, A replaced by G.
Protein change: p.Lys1024Arg; replaces lysine 1024 with arginine.
Molecular consequence: missense variant.
Genome position (GRCh38, 1-based): chr5:37,206,275, T>C on the plus strand (A>G on the coding strand, the complement: CPLANE1 is on the minus strand). VCF-style: chr5-37206275-T-C. GRCh37 (hg19) VCF-style: chr5-37206377-T-C.
Other names: c.3071A>G, p.Lys1024Arg (NM_023073.4); short protein forms K1024R.
Identifiers: ClinVar variation 2190033 (VCV002190033.3), dbSNP rs1471953664, ClinGen allele CA359516342.

ClinVar aggregate classification (germline): Uncertain significance (1 of 4 stars; one submission).

Allele frequency attached by ClinVar (database versions not stated): gnomAD exomes below 0.00001.
gnomAD v4.1: 1 of 1,551,760 alleles (0.000064%); highest among the groups gnomAD compares: Admixed American, 0.002%; no homozygotes.

Submission:

Labcorp Genetics (formerly Invitae), Labcorp
Classification: Uncertain significance. Last evaluated: 2024-11-05. Review status: criteria provided, single submitter. Criteria: Invitae Variant Classification Sherloc (09022015). Collection method: clinical testing. Allele origin: germline.
Comment: This sequence change replaces lysine, which is basic and polar, with arginine, which is basic and polar, at codon 1024 of the CPLANE1 protein (p.Lys1024Arg). This variant is present in population databases (no rsID available, gnomAD 0.004%). This variant has not been reported in the literature in individuals affected with CPLANE1-related conditions. ClinVar contains an entry for this variant (Variation ID: 2190033). Invitae Evidence Modeling of protein sequence and biophysical properties (such as structural, functional, and spatial information, amino acid conservation, physicochemical variation, residue mobility, and thermodynamic stability) indicates that this missense variant is not expected to disrupt CPLANE1 protein function with a negative predictive value of 95%. In summary, the available evidence is currently insufficient to determine the role of this variant in disease. Therefore, it has been classified as a Variant of Uncertain Significance.